The following is an entry in ClinVar:

ClinVar aggregate classification (germline): Likely benign. Review status: criteria provided, multiple submitters, no conflicts (2 of 4 stars). 3 submissions from 3 submitters: Likely benign (3). Last evaluated 2025-10-24.

Conditions:
Inborn genetic diseases. Identifiers: MedGen C0950123, MeSH D030342.

Allele frequency attached by ClinVar (database versions not stated): gnomAD exomes 0.00019; TOPMed 0.00008.
gnomAD v4.1: 278 of 1,613,618 alleles (0.017%); highest among the groups gnomAD compares: Non-Finnish European, 0.023%; no homozygotes.

Submissions (3):

Labcorp Genetics (formerly Invitae), Labcorp
Classification: Likely benign. Last evaluated: 2025-10-24. Review status: criteria provided, single submitter. Criteria: Invitae Variant Classification Sherloc (09022015). Collection method: clinical testing. Allele origin: germline.

Ambry Genetics
Classification: Likely benign for Inborn genetic diseases. Last evaluated: 2024-11-22. Review status: criteria provided, single submitter. Criteria: Ambry Variant Classification Scheme 2023. Collection method: clinical testing. Allele origin: germline.

Women's Health and Genetics/Laboratory Corporation of America, LabCorp
Classification: Likely benign. Last evaluated: 2023-09-11. Review status: criteria provided, single submitter. Criteria: LabCorp Variant Classification Summary - May 2015. Collection method: clinical testing. Allele origin: germline.
Comment: Variant summary: ASXL1 c.3677T>A (p.Leu1226Gln) results in a non-conservative amino acid change in the encoded protein sequence. Four of five in-silico tools predict a benign effect of the variant on protein function. The variant allele was found at a frequency of 4e-05 in 249774 control chromosomes and was found in at least 10 heterozygous individuals without severe, early-onset conditions (gnomAD). Predominantly, de-novo truncating variants in ASXL1 have been reported in association with autosomal dominant early-onset Bohring-Opitz syndrome or as somatic alterations in individuals of advanced age. Therefore, while these data are suggestive of a benign role for this variant, a definitive conclusion about variant significance cannot be drawn at this time. To our knowledge, no occurrence of c.3677T>A in individuals affected with Bohring-Opitz Syndrome and no experimental evidence demonstrating its impact on protein function have been reported. Two submitters have cited clinical-significance assessments for this variant to ClinVar after 2014. All submitters classified the variant as likely benign. Based on the evidence outlined above, the variant was classified as likely benign.

Literature cited by the submitters: PubMed 22489043 (cited by Women's Health and Genetics/Laboratory Corporation of America, LabCorp); PubMed 24442206 (cited by Women's Health and Genetics/Laboratory Corporation of America, LabCorp); PubMed 24458439 (cited by Women's Health and Genetics/Laboratory Corporation of America, LabCorp); PubMed 25652455 (cited by Women's Health and Genetics/Laboratory Corporation of America, LabCorp); PubMed 24695057 (cited by Women's Health and Genetics/Laboratory Corporation of America, LabCorp); PubMed 23018865 (cited by Women's Health and Genetics/Laboratory Corporation of America, LabCorp); PubMed 21881046 (cited by Women's Health and Genetics/Laboratory Corporation of America, LabCorp); PubMed 23619563 (cited by Women's Health and Genetics/Laboratory Corporation of America, LabCorp); PubMed 20880116 (cited by Women's Health and Genetics/Laboratory Corporation of America, LabCorp); PubMed 23690417 (cited by Women's Health and Genetics/Laboratory Corporation of America, LabCorp); PubMed 22031865 (cited by Women's Health and Genetics/Laboratory Corporation of America, LabCorp); PubMed 25596267 (cited by Women's Health and Genetics/Laboratory Corporation of America, LabCorp); PubMed 22058207 (cited by Women's Health and Genetics/Laboratory Corporation of America, LabCorp); PubMed 24496303 (cited by Women's Health and Genetics/Laboratory Corporation of America, LabCorp); PubMed 21576631 (cited by Women's Health and Genetics/Laboratory Corporation of America, LabCorp); PubMed 24255920 (cited by Women's Health and Genetics/Laboratory Corporation of America, LabCorp); PubMed 27895058 (cited by Women's Health and Genetics/Laboratory Corporation of America, LabCorp); PubMed 27276561 (cited by Women's Health and Genetics/Laboratory Corporation of America, LabCorp); PubMed 27069254 (cited by Women's Health and Genetics/Laboratory Corporation of America, LabCorp).

NM_015338.6(ASXL1):c.3677T>A (p.Leu1226Gln)

Gene: ASXL1 (ASXL transcriptional regulator 1; plus strand). Cytogenetic location: 20q11.21.
Variant type: single nucleotide variant.
Coding change: c.3677T>A on transcript NM_015338.6 (MANE Select); coding-DNA position 3677, T replaced by A.
Protein change: p.Leu1226Gln; replaces leucine 1226 with glutamine.
Molecular consequence: missense variant.
Genome position (GRCh38, 1-based): chr20:32,436,389, T>A. VCF-style: chr20-32436389-T-A. GRCh37 (hg19) VCF-style: chr20-31024192-T-A.
Other names: c.3494T>A, p.Leu1165Gln (NM_001363734.1); short protein forms L1226Q, L1165Q.
Identifiers: ClinVar variation 2048305 (VCV002048305.7), dbSNP rs564721149, ClinGen allele CA9808876.